The following is an entry in ClinVar:

ClinVar aggregate classification (germline): Conflicting classifications of pathogenicity. Review status: criteria provided, conflicting classifications (1 of 4 stars). 2 submissions from 2 submitters: Uncertain significance (1); Likely benign (1). Last evaluated 2024-08-21.

Conditions:
Wilms tumor 1 (WT1). Also called: Wilms tumor, somatic. Identifiers: Orphanet 654, MedGen CN033288, MONDO:0008679, OMIM 194070.
11p partial monosomy syndrome (WAGR). Also called: WAGR syndrome; CHROMOSOME 11p13 DELETION SYNDROME; WAGR Complex; WAGR Spectrum Disorder. Identifiers: Orphanet 893, MedGen C0206115, MONDO:0008681, OMIM 194072.
Frasier syndrome. Identifiers: Orphanet 347, MedGen C0950122, MeSH D052159, MONDO:0007635, OMIM 136680.
Drash syndrome (DDS). Also called: WILMS TUMOR AND PSEUDO- OR TRUE HERMAPHRODITISM; NEPHROPATHY, WILMS TUMOR, AND GENITAL ANOMALIES. Identifiers: Orphanet 220, MedGen C0950121, MONDO:0008682, OMIM 194080.
Inborn genetic diseases. Identifiers: MedGen C0950123, MeSH D030342.

Allele frequency attached by ClinVar (database versions not stated): gnomAD 0.00001; 1000 Genomes Project 30x 0.00016; 1000 Genomes Project 0.00020.

Submissions (2):

Ambry Genetics
Classification: Likely benign for Inborn genetic diseases. Last evaluated: 2024-08-21. Review status: criteria provided, single submitter. Criteria: Ambry Variant Classification Scheme 2023. Collection method: clinical testing. Allele origin: germline.

Labcorp Genetics (formerly Invitae), Labcorp
Classification: Uncertain significance for Wilms tumor 1; Drash syndrome; 11p partial monosomy syndrome; Frasier syndrome. Last evaluated: 2023-06-15. Review status: criteria provided, single submitter. Criteria: Invitae Variant Classification Sherloc (09022015). Collection method: clinical testing. Allele origin: germline.
Comment: This sequence change replaces threonine, which is neutral and polar, with asparagine, which is neutral and polar, at codon 221 of the WT1 protein (p.Thr221Asn). This variant is present in population databases (rs556804456, gnomAD 0.01%). In summary, the available evidence is currently insufficient to determine the role of this variant in disease. Therefore, it has been classified as a Variant of Uncertain Significance. An algorithm developed to predict the effect of missense changes on protein structure and function (PolyPhen-2) suggests that this variant is likely to be tolerated. ClinVar contains an entry for this variant (Variation ID: 1019449). This variant has not been reported in the literature in individuals affected with WT1-related conditions.

NM_024426.6(WT1):c.677C>A (p.Thr226Asn)

Gene: WT1 (WT1 transcription factor; minus strand). Cytogenetic location: 11p13.
Variant type: single nucleotide variant.
Coding change: c.677C>A on transcript NM_024426.6 (MANE Select); coding-DNA position 677, C replaced by A.
Protein change: p.Thr226Asn; replaces threonine 226 with asparagine.
Molecular consequence: missense variant. On other transcripts: non-coding transcript variant (1).
Genome position (GRCh38, 1-based): chr11:32,428,604, G>T on the plus strand (C>A on the coding strand, the complement: WT1 is on the minus strand). VCF-style: chr11-32428604-G-T. GRCh37 (hg19) VCF-style: chr11-32450150-G-T.
Other names: c.677C>A, p.Thr226Asn (NM_000378.6, NM_001407044.1, NM_001407045.1 and 4 more transcripts); c.26C>A, p.Thr9Asn (NM_001198551.2, NM_001198552.2); c.-86C>A (NM_001407051.1); c.662C>A, p.Thr221Asn (NM_024425.2); c.662C>A (NM_024426.4); short protein forms T226N, T9N, T221N.
Identifiers: ClinVar variation 1019449 (VCV001019449.11), dbSNP rs556804456, ClinGen allele CA065448.